The following is an entry in ClinVar:

ClinVar aggregate classification (germline): Pathogenic. Review status: criteria provided, multiple submitters, no conflicts (2 of 4 stars). 3 submissions from 3 submitters: Pathogenic (3). Last evaluated 2025-01-03.

Conditions:
Familial thoracic aortic aneurysm and aortic dissection (TAAD). Also called: Thoracic aortic aneurysms and dissections. Identifiers: Orphanet 91387, MedGen C4707243, MONDO:0019625.
Hereditary cancer-predisposing syndrome. Also called: Tumor predisposition; Neoplastic Syndromes, Hereditary; Hereditary neoplastic syndrome; Hereditary Cancer Syndrome. Identifiers: Orphanet 140162, MedGen C0027672, MeSH D009386, MONDO:0015356.
Juvenile polyposis syndrome (JPS). Identifiers: Orphanet 2929, MedGen C0345893, MONDO:0017380, OMIM 174900.
Juvenile polyposis/hereditary hemorrhagic telangiectasia syndrome (JPHT). Also called: Juvenile Polyposis Syndrome / Hereditary Hemorrhagic Telangiectasia (JPS/HHT); JP/HHT SYNDROME; JUVENILE POLYPOSIS WITH HEREDITARY HEMORRHAGIC TELANGIECTASIA; POLYPOSIS, GENERALIZED JUVENILE, WITH PULMONARY ARTERIOVENOUS MALFORMATION; TELANGIECTASIA, HEREDITARY HEMORRHAGIC, WITH JUVENILE POLYPOSIS COLI. Identifiers: Orphanet 2929, MedGen C1832942, MONDO:0008278, OMIM 175050.

Submissions (3):

Ambry Genetics
Classification: Pathogenic for Hereditary cancer-predisposing syndrome; Familial thoracic aortic aneurysm and aortic dissection. Last evaluated: 2025-01-03. Review status: criteria provided, single submitter. Criteria: Ambry Variant Classification Scheme 2023. Collection method: clinical testing. Allele origin: germline.
Comment: The c.1206dupT pathogenic mutation, located in coding exon 9 of the SMAD4 gene, results from a duplication of T at nucleotide position 1206, causing a translational frameshift with a predicted alternate stop codon (p.S403*). This variant is considered to be rare based on population cohorts in the Genome Aggregation Database (gnomAD). This alteration is expected to result in loss of function by premature protein truncation or nonsense-mediated mRNA decay. As such, this alteration is interpreted as a disease-causing mutation.

Myriad Genetics, Inc.
Classification: Pathogenic for Juvenile polyposis/hereditary hemorrhagic telangiectasia syndrome. Last evaluated: 2024-02-09. Review status: criteria provided, single submitter. Criteria: Myriad Autosomal Dominant, Autosomal Recessive and X-Linked Classification Criteria (2023). Collection method: clinical testing. Allele origin: unknown.
Comment: This variant is considered pathogenic. This variant creates a termination codon and is predicted to result in premature protein truncation.

Labcorp Genetics (formerly Invitae), Labcorp
Classification: Pathogenic for Juvenile polyposis syndrome. Last evaluated: 2016-12-11. Review status: criteria provided, single submitter. Criteria: Invitae Variant Classification Sherloc (09022015). Collection method: clinical testing. Allele origin: germline.
Comment: While this particular variant has not been reported in the literature, loss-of-function variants in SMAD4 are known to be pathogenic (PMID: 22810475, 16152648). This sequence change inserts 1 nucleotide in exon 10 of the SMAD4 mRNA (c.1206dupT), causing a frameshift at codon 403. This creates a premature translational stop signal (p.Ser403*) and is expected to result in an absent or disrupted protein product. For these reasons, this variant has been classified as Pathogenic.

Literature cited by the submitters: PubMed 22810475 (cited by Labcorp Genetics (formerly Invitae), Labcorp); PubMed 16152648 (cited by Labcorp Genetics (formerly Invitae), Labcorp).

NM_005359.6(SMAD4):c.1206dup (p.Ser403Ter)

Gene: SMAD4 (SMAD family member 4; plus strand). Cytogenetic location: 18q21.2.
Variant type: Duplication.
Coding change: c.1206dup on transcript NM_005359.6 (MANE Select); coding-DNA position 1206, one base duplicated (T; older notation c.1206dupT).
Protein change: p.Ser403Ter; replaces serine 403 with a stop codon.
Molecular consequence: nonsense.
Genome position (GRCh38, 1-based): chr18:51,067,085, T duplicated; the last of 2 consecutive T bases (chr18:51,067,084-51,067,085); duplicating either gives the same sequence. VCF-style (leftmost placement, unchanged base first): chr18-51067083-C-CT. GRCh37 (hg19) VCF-style: chr18-48593453-C-CT.
Other names: c.1206dupT (NM_005359.5); short protein forms S403*.
Identifiers: ClinVar variation 240143 (VCV000240143.14), dbSNP rs878854765, ClinGen allele CA10583707.